The following is an entry in ClinVar:

ClinVar aggregate classification (germline): Uncertain significance. Review status: criteria provided, multiple submitters, no conflicts (2 of 4 stars). 2 submissions from 2 submitters: Uncertain significance (2). Last evaluated 2025-08-21.

Conditions:
Inborn genetic diseases. Identifiers: MedGen C0950123, MeSH D030342.

Allele frequency attached by ClinVar (database versions not stated): gnomAD 0.00001; TOPMed 0.00001.
gnomAD v4.1: 4 of 1,613,960 alleles (0.00025%); highest among the groups gnomAD compares: East Asian, 0.0022%; no homozygotes.

Submissions (2):

Ambry Genetics
Classification: Uncertain significance for Inborn genetic diseases. Last evaluated: 2025-08-21. Review status: criteria provided, single submitter. Criteria: Ambry Variant Classification Scheme 2023. Collection method: clinical testing. Allele origin: germline.

Labcorp Genetics (formerly Invitae), Labcorp
Classification: Uncertain significance. Last evaluated: 2022-07-25. Review status: criteria provided, single submitter. Criteria: Invitae Variant Classification Sherloc (09022015). Collection method: clinical testing. Allele origin: germline.
Comment: This sequence change replaces valine, which is neutral and non-polar, with isoleucine, which is neutral and non-polar, at codon 1864 of the SZT2 protein (p.Val1864Ile). This variant is not present in population databases (gnomAD no frequency). This variant has not been reported in the literature in individuals affected with SZT2-related conditions. ClinVar contains an entry for this variant (Variation ID: 944931). Algorithms developed to predict the effect of missense changes on protein structure and function output the following: SIFT: "Tolerated"; PolyPhen-2: "Benign"; Align-GVGD: "Class C0". The isoleucine amino acid residue is found in multiple mammalian species, which suggests that this missense change does not adversely affect protein function. In summary, the available evidence is currently insufficient to determine the role of this variant in disease. Therefore, it has been classified as a Variant of Uncertain Significance.

NM_001365999.1(SZT2):c.5761G>A (p.Val1921Ile)

Gene: SZT2 (SZT2 subunit of KICSTOR complex; plus strand). Cytogenetic location: 1p34.2.
Variant type: single nucleotide variant.
Coding change: c.5761G>A on transcript NM_001365999.1 (MANE Select); coding-DNA position 5761, G replaced by A.
Protein change: p.Val1921Ile; replaces valine 1921 with isoleucine.
Molecular consequence: missense variant.
Genome position (GRCh38, 1-based): chr1:43,433,147, G>A. VCF-style: chr1-43433147-G-A. GRCh37 (hg19) VCF-style: chr1-43898818-G-A.
Other names: c.5590G>A, p.Val1864Ile (NM_015284.4); short protein forms V1921I, V1864I.
Identifiers: ClinVar variation 944931 (VCV000944931.4), dbSNP rs992497725, ClinGen allele CA340026400.